The following is an entry in ClinVar:

ClinVar aggregate classification (germline): Pathogenic (1 of 4 stars; one submission).

Conditions:
Hereditary diffuse gastric adenocarcinoma (HDGC). Also called: DIFFUSE GASTRIC AND LOBULAR BREAST CANCER SYNDROME. Identifiers: Orphanet 26106, MedGen C1708349, MONDO:0007648, OMIM 137215.

Submission:

Department of Clinical Genetics, Copenhagen University Hospital, Rigshospitalet
Classification: Pathogenic for Hereditary diffuse gastric adenocarcinoma. Last evaluated: 2025-01-10. Review status: criteria provided, single submitter. Criteria: ACMG Guidelines, 2015. Collection method: clinical testing. Allele origin: germline. Affected: yes.
Comment: The following ACMG criteria was used: PVS1 (RNA); PM2_SUP; PP1

Literature cited by the submitters: PubMed 24389957.

NM_004360.5(CDH1):c.1565+3_1565+4insTT

Gene: CDH1 (cadherin 1; plus strand). Cytogenetic location: 16q22.1.
Variant type: Insertion.
Coding change: c.1565+3_1565+4insTT on transcript NM_004360.5 (MANE Select); bases 3 to 4 of the intron after coding-DNA position 1565, TT inserted.
Molecular consequence: intron variant.
Genome position: GRCh38 VCF-style: chr16-68815762-A-ATT. GRCh37 (hg19) VCF-style: chr16-68849665-A-ATT.
Other names: c.17+3_17+4insTT (NM_001317185.2); c.-255+3_-255+4insTT (NM_001317186.2); c.1382+3_1382+4insTT (NM_001317184.2).
Identifiers: ClinVar variation 3600338 (VCV003600338.1).
Genomic context (GRCh38, chr16:68,815,762, plus strand): 5'-AGGAAATCACATCCTACACTGCCCAGGAGCCAGACACATTTATGGAACAGAAAATAACGT[A>ATT]AGTGTGAGGATTTTTCAACTGACTTGCAGCAACTGGTTATTTTATATCATTTTATATGTA-3'